The following is an entry in ClinVar:

ClinVar aggregate classification (germline): Uncertain significance (1 of 4 stars; one submission).

Allele frequency attached by ClinVar (database versions not stated): gnomAD 0.00001; 1000 Genomes Project 0.00020; ExAC 0.00001; 1000 Genomes Project 30x 0.00031.

Submission:

Labcorp Genetics (formerly Invitae), Labcorp
Classification: Uncertain significance. Last evaluated: 2025-08-18. Review status: criteria provided, single submitter. Criteria: Invitae Variant Classification Sherloc (09022015). Collection method: clinical testing. Allele origin: germline.
Comment: This sequence change replaces aspartic acid, which is acidic and polar, with glycine, which is neutral and non-polar, at codon 308 of the MOCS3 protein (p.Asp308Gly). This variant is present in population databases (rs201016960, gnomAD 0.006%). This variant has not been reported in the literature in individuals affected with MOCS3-related conditions. ClinVar contains an entry for this variant (Variation ID: 2956820). An algorithm developed to predict the effect of missense changes on protein structure and function (PolyPhen-2) suggests that this variant is likely to be tolerated. In summary, the available evidence is currently insufficient to determine the role of this variant in disease. Therefore, it has been classified as a Variant of Uncertain Significance.

NM_014484.5(MOCS3):c.923A>G (p.Asp308Gly)

Gene: MOCS3 (molybdenum cofactor synthesis 3; plus strand). Cytogenetic location: 20q13.13.
Variant type: single nucleotide variant.
Coding change: c.923A>G on transcript NM_014484.5 (MANE Select); coding-DNA position 923, A replaced by G.
Protein change: p.Asp308Gly; replaces aspartic acid 308 with glycine.
Molecular consequence: missense variant.
Genome position (GRCh38, 1-based): chr20:50,959,765, A>G. VCF-style: chr20-50959765-A-G. GRCh37 (hg19) VCF-style: chr20-49576302-A-G.
Other names: short protein forms D308G.
Identifiers: ClinVar variation 2956820 (VCV002956820.3), dbSNP rs201016960, ClinGen allele CA9909507.